The following is an entry in ClinVar:

ClinVar aggregate classification (germline): Uncertain significance (1 of 4 stars; one submission).

Conditions:
Hereditary nonpolyposis colorectal neoplasms. Identifiers: MedGen C0009405, MeSH D003123.

Submission:

Labcorp Genetics (formerly Invitae), Labcorp
Classification: Uncertain significance for Hereditary nonpolyposis colorectal neoplasms. Last evaluated: 2023-12-30. Review status: criteria provided, single submitter. Criteria: Invitae Variant Classification Sherloc (09022015). Collection method: clinical testing. Allele origin: germline.
Comment: This sequence change replaces methionine, which is neutral and non-polar, with isoleucine, which is neutral and non-polar, at codon 1184 of the MSH6 protein (p.Met1184Ile). This variant is not present in population databases (gnomAD no frequency). This variant has not been reported in the literature in individuals affected with MSH6-related conditions. ClinVar contains an entry for this variant (Variation ID: 1062452). Advanced modeling of protein sequence and biophysical properties (such as structural, functional, and spatial information, amino acid conservation, physicochemical variation, residue mobility, and thermodynamic stability) performed at Invitae indicates that this missense variant is not expected to disrupt MSH6 protein function with a negative predictive value of 95%. In summary, the available evidence is currently insufficient to determine the role of this variant in disease. Therefore, it has been classified as a Variant of Uncertain Significance.

NM_000179.3(MSH6):c.3552G>C (p.Met1184Ile)

Gene: MSH6 (mutS homolog 6; plus strand). Cytogenetic location: 2p16.3.
Variant type: single nucleotide variant.
Coding change: c.3552G>C on transcript NM_000179.3 (MANE Select); coding-DNA position 3552, G replaced by C.
Protein change: p.Met1184Ile; replaces methionine 1184 with isoleucine.
Molecular consequence: missense variant.
Genome position (GRCh38, 1-based): chr2:47,805,023, G>C. VCF-style: chr2-47805023-G-C. GRCh37 (hg19) VCF-style: chr2-48032162-G-C.
Other names: c.3162G>C, p.Met1054Ile (NM_001281492.2); c.2646G>C, p.Met882Ile (NM_001281493.2, NM_001281494.2); short protein forms M1054I, M1184I, M882I.
Identifiers: ClinVar variation 1062452 (VCV001062452.9), dbSNP rs1376983554, ClinGen allele CA346760271.